The following is an entry in ClinVar:

ClinVar aggregate classification (germline): Uncertain significance (1 of 4 stars; one submission).

gnomAD v4.1: 2 of 1,613,060 alleles (0.00012%); highest among the groups gnomAD compares: Non-Finnish European, 0.00017%; no homozygotes.

Submission:

Labcorp Genetics (formerly Invitae), Labcorp
Classification: Uncertain significance. Last evaluated: 2024-05-20. Review status: criteria provided, single submitter. Criteria: Invitae Variant Classification Sherloc (09022015). Collection method: clinical testing. Allele origin: germline.
Comment: This sequence change replaces proline, which is neutral and non-polar, with arginine, which is basic and polar, at codon 1091 of the VARS2 protein (p.Pro1091Arg). This variant is present in population databases (no rsID available, gnomAD 0.0009%). This variant has not been reported in the literature in individuals affected with VARS2-related conditions. Algorithms developed to predict the effect of missense changes on protein structure and function output the following: SIFT: "Not Available"; PolyPhen-2: "Benign"; Align-GVGD: "Not Available". The arginine amino acid residue is found in multiple mammalian species, which suggests that this missense change does not adversely affect protein function. In summary, the available evidence is currently insufficient to determine the role of this variant in disease. Therefore, it has been classified as a Variant of Uncertain Significance.

NM_020442.6(VARS2):c.3182C>G (p.Pro1061Arg)

Gene: VARS2 (valyl-tRNA synthetase 2, mitochondrial; plus strand). Cytogenetic location: 6p21.33.
Variant type: single nucleotide variant.
Coding change: c.3182C>G on transcript NM_020442.6 (MANE Select); coding-DNA position 3182, C replaced by G.
Protein change: p.Pro1061Arg; replaces proline 1061 with arginine.
Molecular consequence: missense variant.
Genome position (GRCh38, 1-based): chr6:30,926,200, C>G. VCF-style: chr6-30926200-C-G. GRCh37 (hg19) VCF-style: chr6-30893977-C-G.
Other names: c.2762C>G, p.Pro921Arg (NM_001167733.3); c.3272C>G, p.Pro1091Arg (NM_001167734.2); short protein forms P1061R, P1091R, P921R.
Identifiers: ClinVar variation 3653122 (VCV003653122.2).